The following is an entry in ClinVar:

NM_000432.4(MYL2):c.4G>T (p.Ala2Ser)

Genes: MYL2 (myosin light chain 2; minus strand), LOC114827850 (VISTA enhancer hs2149; plus strand). Cytogenetic location: 12q24.11.
Variant type: single nucleotide variant.
Coding change: c.4G>T on transcript NM_000432.4 (MANE Select); coding-DNA position 4, G replaced by T.
Protein change: p.Ala2Ser; replaces alanine 2 with serine.
Molecular consequence: missense variant.
Genome position (GRCh38, 1-based): chr12:110,919,193, C>A on the plus strand (G>T on the coding strand, the complement: MYL2 is on the minus strand). VCF-style: chr12-110919193-C-A. GRCh37 (hg19) VCF-style: chr12-111356997-C-A.
Other names: short protein forms A2S.
Identifiers: ClinVar variation 927922 (VCV000927922.12), dbSNP rs1060499882, ClinGen allele CA386700375.

ClinVar aggregate classification (germline): Conflicting classifications of pathogenicity. Review status: criteria provided, conflicting classifications (1 of 4 stars). 2 submissions from 2 submitters: Uncertain significance (1); Likely benign (1). Last evaluated 2025-02-05.

Conditions:
Hypertrophic cardiomyopathy 10. Also called: MYL2-Related Familial Hypertrophic Cardiomyopathy; CARDIOMYOPATHY, HYPERTROPHIC, MID-LEFT VENTRICULAR CHAMBER TYPE, 2. Identifiers: MedGen C1834460, MONDO:0012112, OMIM 608758.
Cardiomyopathy (CMYO). Also called: Cardiomyopathies. Identifiers: Orphanet 167848, MedGen C0878544, MONDO:0004994, HP:0001638. Inheritance: Various modes of inheritance.

Allele frequency attached by ClinVar (database versions not stated): gnomAD exomes below 0.00001; gnomAD 0.00001.
gnomAD v4.1: 7 of 1,612,594 alleles (0.00043%); highest among the groups gnomAD compares: South Asian, 0.0022%; no homozygotes.

Submissions (2):

Labcorp Genetics (formerly Invitae), Labcorp
Classification: Uncertain significance for Hypertrophic cardiomyopathy 10. Last evaluated: 2025-02-05. Review status: criteria provided, single submitter. Criteria: Invitae Variant Classification Sherloc (09022015). Collection method: clinical testing. Allele origin: germline.
Comment: This sequence change replaces alanine, which is neutral and non-polar, with serine, which is neutral and polar, at codon 2 of the MYL2 protein (p.Ala2Ser). This variant is present in population databases (no rsID available, gnomAD 0.004%). This variant has not been reported in the literature in individuals affected with MYL2-related conditions. ClinVar contains an entry for this variant (Variation ID: 927922). An algorithm developed to predict the effect of missense changes on protein structure and function outputs the following: PolyPhen-2: "Benign". The serine amino acid residue is found in multiple mammalian species, which suggests that this missense change does not adversely affect protein function. In summary, the available evidence is currently insufficient to determine the role of this variant in disease. Therefore, it has been classified as a Variant of Uncertain Significance.

Color Diagnostics, LLC DBA Color Health
Classification: Likely benign for Cardiomyopathy. Last evaluated: 2024-09-03. Review status: criteria provided, single submitter. Criteria: ACMG Guidelines, 2015. Collection method: clinical testing. Allele origin: germline.